The following is an entry in ClinVar:

ClinVar aggregate classification (germline): Uncertain significance. Review status: reviewed by expert panel (3 of 4 stars). 3 submissions from 3 submitters: Uncertain significance (1). 2 of the submissions do not count toward it. Last evaluated 2024-09-12.

Conditions:
Hereditary thrombocytopenia and hematologic cancer predisposition syndrome. Identifiers: Orphanet 71290, MedGen CN281654, MONDO:0011071.
Inborn genetic diseases. Identifiers: MedGen C0950123, MeSH D030342.
Hereditary thrombocytopenia and hematological cancer predisposition syndrome associated with RUNX1. Also called: RUNX1 Familial Platelet Disorder with Associated Myeloid Malignancies; Familial Platelet Disorder with Propensity to Acute Myelogenous Leukemia; Familial thrombocytopenia with propensity to acute myelogenous leukemia; PLATELET DISORDER, ASPIRIN-LIKE. Identifiers: Orphanet 71290, MedGen C1832388, MeSH C563324, MONDO:0100083, OMIM 601399.

Submissions (3):

ClinGen Myeloid Malignancy Variant Curation Expert Panel
Classification: Uncertain significance for Hereditary thrombocytopenia and hematologic cancer predisposition syndrome. Last evaluated: 2024-09-12. Review status: reviewed by expert panel. Criteria: ClinGen MyeloMalig ACMG Specifications v2. Collection method: curation. Allele origin: germline. Inheritance: Autosomal dominant inheritance.
Comment: NM_001754.5(RUNX1):c.1127G>A (p.Arg376His) is a missense variant which is completely absent from all population databases with at least 20x coverage for RUNX1 (PM2_Supporting). In summary, the clinical significance of this variant is uncertain due to insufficient evidence. ACMG/AMP criteria applied, as specified by the Myeloid Malignancy Variant Curation Expert Panel for RUNX1: PM2_Supporting.

Ambry Genetics
Classification: Uncertain significance for Inborn genetic diseases. Last evaluated: 2025-07-10. Review status: criteria provided, single submitter. Criteria: Ambry Variant Classification Scheme 2023. Collection method: clinical testing. Allele origin: germline. Not counted in ClinVar's aggregate classification.
Comment: The p.R376H variant (also known as c.1127G>A), located in coding exon 8 of the RUNX1 gene, results from a G to A substitution at nucleotide position 1127. The arginine at codon 376 is replaced by histidine, an amino acid with highly similar properties. This amino acid position is conserved. In addition, this alteration is predicted to be deleterious by in silico analysis. Based on the available evidence, the clinical significance of this variant remains unclear.

Labcorp Genetics (formerly Invitae), Labcorp
Classification: Uncertain significance for Hereditary thrombocytopenia and hematological cancer predisposition syndrome associated with RUNX1. Last evaluated: 2023-10-05. Review status: criteria provided, single submitter. Criteria: Invitae Variant Classification Sherloc (09022015). Collection method: clinical testing. Allele origin: germline. Not counted in ClinVar's aggregate classification.
Comment: This sequence change replaces arginine, which is basic and polar, with histidine, which is basic and polar, at codon 376 of the RUNX1 protein (p.Arg376His). This variant is not present in population databases (gnomAD no frequency). This variant has not been reported in the literature in individuals affected with RUNX1-related conditions. Advanced modeling of protein sequence and biophysical properties (such as structural, functional, and spatial information, amino acid conservation, physicochemical variation, residue mobility, and thermodynamic stability) has been performed at Invitae for this missense variant, however the output from this modeling did not meet the statistical confidence thresholds required to predict the impact of this variant on RUNX1 protein function. In summary, the available evidence is currently insufficient to determine the role of this variant in disease. Therefore, it has been classified as a Variant of Uncertain Significance.

NM_001754.5(RUNX1):c.1127G>A (p.Arg376His)

Gene: RUNX1 (RUNX family transcription factor 1; minus strand). Cytogenetic location: 21q22.12.
Variant type: single nucleotide variant.
Coding change: c.1127G>A on transcript NM_001754.5 (MANE Select); coding-DNA position 1127, G replaced by A.
Protein change: p.Arg376His; replaces arginine 376 with histidine.
Molecular consequence: missense variant.
Genome position (GRCh38, 1-based): chr21:34,792,451, C>T on the plus strand (G>A on the coding strand, the complement: RUNX1 is on the minus strand). VCF-style: chr21-34792451-C-T. GRCh37 (hg19) VCF-style: chr21-36164748-C-T.
Other names: NM_001754.5(RUNX1):c.1127G>A; p.Arg376His; c.1046G>A, p.Arg349His (NM_001001890.3); short protein forms R349H, R376H.
Identifiers: ClinVar variation 2958710 (VCV002958710.5), dbSNP rs1254776818, ClinGen allele CA410148028.
Genomic context (GRCh38, chr21:34,792,451, plus strand): 5'-AACGGGCCTCCCTGCGCTTGCGACGAGCCGGGGTAGGGCGGCGGCAGGTAGGTGTGGTAG[C>T]GCGTGGCCGAGCCCATGGCCGACATGCCGATGCCGATGCCCGAGGTGACCGGCGTCGGGG-3'
Protein context (NP_001745.2, residues 366-386): IGMSAMGSAT[Arg376His]YHTYLPPPYP